The following is an entry in ClinVar:

ClinVar aggregate classification (germline): Uncertain significance (1 of 4 stars; one submission).

Conditions:
Neuronal ceroid lipofuscinosis. Also called: Neuronal Ceroid Lipofuscinoses. Identifiers: Orphanet 216, Orphanet 79263, MedGen C0027877, MONDO:0016295. Disease mechanism: loss of function.

Allele frequency attached by ClinVar (database versions not stated): gnomAD exomes below 0.00001; TOPMed 0.00001.
gnomAD v4.1: 1 of 1,614,042 alleles (0.000062%); highest among the groups gnomAD compares: Admixed American, 0.0017%; no homozygotes.

Submission:

Labcorp Genetics (formerly Invitae), Labcorp
Classification: Uncertain significance for Neuronal ceroid lipofuscinosis. Last evaluated: 2023-07-09. Review status: criteria provided, single submitter. Criteria: Invitae Variant Classification Sherloc (09022015). Collection method: clinical testing. Allele origin: germline.
Comment: ClinVar contains an entry for this variant (Variation ID: 1026410). This variant has not been reported in the literature in individuals affected with DNAJC5-related conditions. This variant is present in population databases (no rsID available, gnomAD 0.003%). This sequence change replaces aspartic acid, which is acidic and polar, with glycine, which is neutral and non-polar, at codon 29 of the DNAJC5 protein (p.Asp29Gly). An algorithm developed to predict the effect of missense changes on protein structure and function (PolyPhen-2) suggests that this variant is likely to be disruptive. In summary, the available evidence is currently insufficient to determine the role of this variant in disease. Therefore, it has been classified as a Variant of Uncertain Significance.

NM_025219.3(DNAJC5):c.86A>G (p.Asp29Gly)

Gene: DNAJC5 (DnaJ heat shock protein family (Hsp40) member C5; plus strand). Cytogenetic location: 20q13.33.
Variant type: single nucleotide variant.
Coding change: c.86A>G on transcript NM_025219.3 (MANE Select); coding-DNA position 86, A replaced by G.
Protein change: p.Asp29Gly; replaces aspartic acid 29 with glycine.
Molecular consequence: missense variant.
Genome position (GRCh38, 1-based): chr20:63,928,431, A>G. VCF-style: chr20-63928431-A-G. GRCh37 (hg19) VCF-style: chr20-62559784-A-G.
Other names: short protein forms D29G.
Identifiers: ClinVar variation 1026410 (VCV001026410.8), dbSNP rs1374320528, ClinGen allele CA409715549.